The following is an entry in ClinVar:

NM_021870.3(FGG):c.248T>G (p.Val83Gly)

Gene: FGG (fibrinogen gamma chain; minus strand). Cytogenetic location: 4q32.1.
Variant type: single nucleotide variant.
Coding change: c.248T>G on transcript NM_021870.3 (MANE Select); coding-DNA position 248, T replaced by G.
Protein change: p.Val83Gly; replaces valine 83 with glycine.
Molecular consequence: missense variant.
Genome position (GRCh38, 1-based): chr4:154,612,077, A>C on the plus strand (T>G on the coding strand, the complement: FGG is on the minus strand). VCF-style: chr4-154612077-A-C. GRCh37 (hg19) VCF-style: chr4-155533229-A-C.
Other names: c.248T>G, p.Val83Gly (NM_000509.6); c.248T>G (NM_000509.5); short protein forms V83G.
Identifiers: ClinVar variation 2235580 (VCV002235580.3), dbSNP rs764040983, ClinGen allele CA3115706.

ClinVar aggregate classification (germline): Uncertain significance. Review status: criteria provided, multiple submitters, no conflicts (2 of 4 stars). 2 submissions from 2 submitters: Uncertain significance (2). Last evaluated 2025-12-18.

Conditions:
FGG-related disorder. Also called: FGG-related condition.
Inborn genetic diseases. Identifiers: MedGen C0950123, MeSH D030342.

Allele frequency attached by ClinVar (database versions not stated): TOPMed below 0.00001; gnomAD 0.00001; ExAC 0.00002.

Submissions (2):

PreventionGenetics, part of Exact Sciences
Classification: Uncertain significance for FGG-related condition. Last evaluated: 2025-12-18. Review status: criteria provided, single submitter. Criteria: ACMG Guidelines, 2015. Collection method: clinical testing. Allele origin: germline.
Comment: The FGG c.248T>G variant is predicted to result in the amino acid substitution p.Val83Gly. To our knowledge, this variant has not been reported in the literature. This variant is reported in 0.0018% of alleles in individuals of European (Non-Finnish) descent in gnomAD. At this time, the clinical significance of this variant is uncertain due to the absence of conclusive functional and genetic evidence.

Ambry Genetics
Classification: Uncertain significance for Inborn genetic diseases. Last evaluated: 2021-07-09. Review status: criteria provided, single submitter. Criteria: Ambry Variant Classification Scheme 2023. Collection method: clinical testing. Allele origin: germline.